The following is an entry in ClinVar:

ClinVar aggregate classification (germline): Uncertain significance (1 of 4 stars; one submission).

Submission:

GeneDx
Classification: Uncertain significance. Last evaluated: 2019-03-26. Review status: criteria provided, single submitter. Criteria: GeneDx Variant Classification Process June 2021. Collection method: clinical testing. Allele origin: germline. Affected: yes.
Comment: Not observed in large population cohorts (Lek et al., 2016); Frameshift variant predicted to result in protein truncation or nonsense mediated decay in a gene for which loss-of-function is not a known mechanism of disease; Has not been previously published as pathogenic or benign to our knowledge

NM_004736.4(XPR1):c.808del (p.Arg270fs)

Gene: XPR1 (xenotropic and polytropic retrovirus receptor 1; plus strand). Cytogenetic location: 1q25.3.
Variant type: Deletion.
Coding change: c.808del on transcript NM_004736.4 (MANE Select); coding-DNA position 808, one base deleted (A; older notation c.808delA).
Protein change: p.Arg270fs; shifts the reading frame from arginine 270.
Molecular consequence: frameshift variant. On other transcripts: non-coding transcript variant (1).
Genome position (GRCh38, 1-based): chr1:180,824,797, A deleted; the last of 2 consecutive A bases (chr1:180,824,796-180,824,797); deleting either gives the same sequence. VCF-style (leftmost placement, unchanged base first): chr1-180824795-TA-T. GRCh37 (hg19) VCF-style: chr1-180793931-TA-T.
Other names: c.808del, p.Arg270fs (NM_001135669.2, NM_001328662.2); short protein forms R270fs.
Identifiers: ClinVar variation 1304491 (VCV001304491.2), dbSNP rs2102151877, ClinGen allele CA2573051432.
Genomic context (GRCh38, chr1:180,824,795, plus strand): 5'-ATCTTAATATTCTTTCAGCTGTATTTAAACTTGAAACAGATAGAAGTATATGGCCCTTGA[TA>T]AGAATCTATCGGGGTGGCTTTCTTCTGATTGAATTCCTTTTTCTACTGGGCATCAACACG-3'